The following is an entry in ClinVar:

NM_033225.6(CSMD1):c.8740+5G>A

Genes: CSMD1 (CUB and Sushi multiple domains 1; minus strand), LOC105377785 (uncharacterized LOC105377785; plus strand). Cytogenetic location: 8p23.2.
Variant type: single nucleotide variant.
Coding change: c.8740+5G>A on transcript NM_033225.6 (MANE Select); 5 bases into the intron after coding-DNA position 8740, G replaced by A.
Molecular consequence: intron variant.
Genome position (GRCh38, 1-based): chr8:2,974,446, C>T on the plus strand (G>A on the coding strand, the complement: CSMD1 is on the minus strand). VCF-style: chr8-2974446-C-T. GRCh37 (hg19) VCF-style: chr8-2831968-C-T.
Other names: NC_000008.10:g.2831968C>T; c.8740+5G>A (NM_033225.5).
Identifiers: ClinVar variation 1695221 (VCV001695221.33), dbSNP rs11784931, ClinGen allele CA4605447.
Genomic context (GRCh38, chr8:2,974,446, plus strand): 5'-GAAATCACTATTTGAAAAGTTATTTGAAATCTGTAATTCTGTCAGTTCACTCGTAAGCCC[C>T]TCACCTGTGCAGTGGGGCAGTGCCCCGCTCCAGTGACTGTCTTCCTGGCACACTCTCGTG-3'

ClinVar aggregate classification (germline): Benign. Review status: criteria provided, single submitter (1 of 4 stars). 2 submissions from 2 submitters: Benign (1). 1 of the submissions does not count toward it. Last evaluated 2022-07-01.

Conditions:
CSMD1-related disorder. Also called: CSMD1-related condition.

Allele frequency attached by ClinVar (database versions not stated): 1000 Genomes Project 30x 0.00468; 1000 Genomes Project 0.00519; TOPMed 0.00836; gnomAD 0.00897 and 0.00942; ESP Exome Variant Server 0.01113; gnomAD exomes 0.01119; ExAC 0.01213.
gnomAD v4.1: 19,005 of 1,577,004 alleles (1.2%); highest among the groups gnomAD compares: Middle Eastern, 2.9%; 153 homozygotes.

Submissions (7):

CeGaT Center for Human Genetics Tuebingen
Classification: Benign. Last evaluated: 2022-07-01. Review status: criteria provided, single submitter. Criteria: CeGaT Center For Human Genetics Tuebingen Variant Classification Criteria Version 2. Collection method: clinical testing. Allele origin: germline. Affected: yes. Observed: 1 variant allele.
Comment: CSMD1: BS1, BS2

PreventionGenetics, part of Exact Sciences
Classification: Benign for CSMD1-related condition. Last evaluated: 2019-03-19. Review status: no assertion criteria provided. Collection method: clinical testing. Allele origin: germline. Not counted in ClinVar's aggregate classification.
Comment: This variant is classified as benign based on ACMG/AMP sequence variant interpretation guidelines (Richards et al. 2015 PMID: 25741868, with internal and published modifications).

Dr. Peter K. Rogan Lab, Western University
No classification provided (evidence only). Condition: Acute myeloid leukemia. Review status: no classification provided. Collection method: in vitro. Allele origin: not applicable. Functional consequence: retained intron. Not counted in ClinVar's aggregate classification.

Dr. Peter K. Rogan Lab, Western University
No classification provided (evidence only). Condition: Colon adenocarcinoma. Review status: no classification provided. Collection method: in vitro. Allele origin: not applicable. Functional consequence: retained intron. Not counted in ClinVar's aggregate classification.

Dr. Peter K. Rogan Lab, Western University
No classification provided (evidence only). Condition: Uterine corpus endometrial carcinoma. Review status: no classification provided. Collection method: in vitro. Allele origin: not applicable. Functional consequence: retained intron. Not counted in ClinVar's aggregate classification.

Dr. Peter K. Rogan Lab, Western University
No classification provided (evidence only). Condition: Ovarian serous cystadenocarcinoma. Review status: no classification provided. Collection method: in vitro. Allele origin: not applicable. Functional consequence: retained intron. Not counted in ClinVar's aggregate classification.

Dr. Peter K. Rogan Lab, Western University
No classification provided (evidence only). Condition: Gastric cancer. Review status: no classification provided. Collection method: in vitro. Allele origin: not applicable. Functional consequence: retained intron. Not counted in ClinVar's aggregate classification.